The following is an entry in ClinVar:

NM_000081.4(LYST):c.981C>A (p.Leu327=)

Gene: LYST (lysosomal trafficking regulator; minus strand). Cytogenetic location: 1q42.3.
Variant type: single nucleotide variant.
Coding change: c.981C>A on transcript NM_000081.4 (MANE Select); coding-DNA position 981, C replaced by A.
Protein change: p.Leu327=; no amino-acid change (leucine 327 retained).
Molecular consequence: synonymous variant.
Genome position (GRCh38, 1-based): chr1:235,809,837, G>T on the plus strand (C>A on the coding strand, the complement: LYST is on the minus strand). VCF-style: chr1-235809837-G-T. GRCh37 (hg19) VCF-style: chr1-235973137-G-T.
Other names: c.981C>A, p.Leu327= (NM_001301365.1).
Identifiers: ClinVar variation 2909815 (VCV002909815.6), dbSNP rs370958080, ClinGen allele CA39618026.
Genomic context (GRCh38, chr1:235,809,837, plus strand): 5'-TTCTGGCATCATCTCTGCAGTACTAACATCTACTGACAGAAGATGCAACACTGTTCGAAA[G>T]AGCATCCTTTGAATCAAAGCCACCGGTTCTTCGGTCCAACCTGCAGAAACTACTCGACTC-3'
Protein context (NP_000072.2, residues 317-337): EEPVALIQRM[Leu327=]FRTVLHLLSV

ClinVar aggregate classification (germline): Likely benign. Review status: criteria provided, multiple submitters, no conflicts (2 of 4 stars). 3 submissions from 3 submitters: Likely benign (2). 1 of the submissions does not count toward it. Last evaluated 2024-04-08.

Conditions:
Chédiak-Higashi syndrome (CHS). Also called: Chediak-Higashi Syndrome. Identifiers: Orphanet 167, MedGen C0007965, MONDO:0008963, OMIM 214500.
LYST-related disorder. Also called: LYST-related condition.

Allele frequency attached by ClinVar (database versions not stated): TOPMed below 0.00001; gnomAD 0.00001.
gnomAD v4.1: 15 of 1,613,862 alleles (0.00093%); highest among the groups gnomAD compares: African/African-American, 0.016%; no homozygotes.

Submissions (3):

Blueprint Genetics
Classification: Likely benign. Last evaluated: 2024-04-08. Review status: criteria provided, single submitter. Criteria: ACMG Guidelines, 2015. Collection method: clinical testing. Allele origin: germline.

Labcorp Genetics (formerly Invitae), Labcorp
Classification: Likely benign for Chédiak-Higashi syndrome. Last evaluated: 2023-06-23. Review status: criteria provided, single submitter. Criteria: Invitae Variant Classification Sherloc (09022015). Collection method: clinical testing. Allele origin: germline.

PreventionGenetics, part of Exact Sciences
Classification: Likely benign for LYST-related condition. Last evaluated: 2019-04-30. Review status: no assertion criteria provided. Collection method: clinical testing. Allele origin: germline. Not counted in ClinVar's aggregate classification.
Comment: This variant is classified as likely benign based on ACMG/AMP sequence variant interpretation guidelines (Richards et al. 2015 PMID: 25741868, with internal and published modifications).